The following is an entry in ClinVar:

ClinVar aggregate classification (germline): Likely benign (1 of 4 stars; one submission).

Allele frequency attached by ClinVar (database versions not stated): ExAC 0.00012; ESP Exome Variant Server 0.00015; gnomAD exomes 0.00015; TOPMed 0.00015; 1000 Genomes Project 30x 0.00016; gnomAD 0.00018; 1000 Genomes Project 0.00020.
gnomAD v4.1: 239 of 1,613,046 alleles (0.015%); highest among the groups gnomAD compares: Non-Finnish European, 0.02%; no homozygotes.

Submission:

CeGaT Center for Human Genetics Tuebingen
Classification: Likely benign. Last evaluated: 2023-02-01. Review status: criteria provided, single submitter. Criteria: CeGaT Center For Human Genetics Tuebingen Variant Classification Criteria Version 2. Collection method: clinical testing. Allele origin: germline. Affected: yes. Observed: 1 variant allele.
Comment: NOS3: BS1

NM_000603.5(NOS3):c.2642C>T (p.Ala881Val)

Gene: NOS3 (nitric oxide synthase 3; plus strand). Cytogenetic location: 7q36.1.
Variant type: single nucleotide variant.
Coding change: c.2642C>T on transcript NM_000603.5 (MANE Select); coding-DNA position 2642, C replaced by T.
Protein change: p.Ala881Val; replaces alanine 881 with valine.
Molecular consequence: missense variant.
Genome position (GRCh38, 1-based): chr7:151,010,244, C>T. VCF-style: chr7-151010244-C-T. GRCh37 (hg19) VCF-style: chr7-150707332-C-T.
Other names: short protein forms A881V.
Identifiers: ClinVar variation 2658168 (VCV002658168.24), dbSNP rs200507709, ClinGen allele CA4567433.
Genomic context (GRCh38, chr7:151,010,244, plus strand): 5'-TCTTCCTGGACATCACCTCCCCACCCAGCCCTCAGCTCTTGCGGCTGCTCAGCACCTTGG[C>T]AGAAGAGCCCAGGGAACAGCAGGAGCTGGAGGCCCTCAGCCAGGTTGGGGGCCACCCCAA-3'
Protein context (NP_000594.2, residues 871-891): PQLLRLLSTL[Ala881Val]EEPREQQELE